The following is an entry in ClinVar:

NM_000256.3(MYBPC3):c.932C>G (p.Ser311Trp)

Gene: MYBPC3 (myosin binding protein C3; minus strand). Cytogenetic location: 11p11.2.
Variant type: single nucleotide variant.
Coding change: c.932C>G on transcript NM_000256.3 (MANE Select); coding-DNA position 932, C replaced by G.
Protein change: p.Ser311Trp; replaces serine 311 with tryptophan.
Molecular consequence: missense variant.
Genome position (GRCh38, 1-based): chr11:47,346,365, G>C on the plus strand (C>G on the coding strand, the complement: MYBPC3 is on the minus strand). VCF-style: chr11-47346365-G-C. GRCh37 (hg19) VCF-style: chr11-47367916-G-C.
Other names: short protein forms S311W.
Identifiers: ClinVar variation 2959840 (VCV002959840.3), dbSNP rs193922386, ClinGen allele CA380332251.

ClinVar aggregate classification (germline): Uncertain significance (1 of 4 stars; one submission).

Conditions:
Hypertrophic cardiomyopathy. Also called: HYPERTROPHIC MYOCARDIOPATHY. Identifiers: Orphanet 217569, MedGen C0007194, MeSH D002312, MONDO:0005045, HP:0001639.

Allele frequency attached by ClinVar (database versions not stated): gnomAD 0.00001.

Submission:

Labcorp Genetics (formerly Invitae), Labcorp
Classification: Uncertain significance for Hypertrophic cardiomyopathy. Last evaluated: 2023-11-18. Review status: criteria provided, single submitter. Criteria: Invitae Variant Classification Sherloc (09022015). Collection method: clinical testing. Allele origin: germline.
Comment: This sequence change replaces serine, which is neutral and polar, with tryptophan, which is neutral and slightly polar, at codon 311 of the MYBPC3 protein (p.Ser311Trp). This variant is present in population databases (no rsID available, gnomAD 0.001%). This variant has not been reported in the literature in individuals affected with MYBPC3-related conditions. An algorithm developed to predict the effect of missense changes on protein structure and function (PolyPhen-2) suggests that this variant is likely to be disruptive. In summary, the available evidence is currently insufficient to determine the role of this variant in disease. Therefore, it has been classified as a Variant of Uncertain Significance.